The following is an entry in ClinVar:

ClinVar aggregate classification (germline): Uncertain significance. Review status: criteria provided, multiple submitters, no conflicts (2 of 4 stars). 2 submissions from 2 submitters: Uncertain significance (2). Last evaluated 2025-12-15.

Conditions:
Niemann-Pick disease, type C1. Also called: NEUROVISCERAL STORAGE DISEASE WITH VERTICAL SUPRANUCLEAR OPHTHALMOPLEGIA; NIEMANN-PICK DISEASE WITH CHOLESTEROL ESTERIFICATION BLOCK; NIEMANN-PICK DISEASE WITHOUT SPHINGOMYELINASE DEFICIENCY; NIEMANN-PICK DISEASE, CHRONIC NEURONOPATHIC FORM; NIEMANN-PICK DISEASE, VARIANT TYPE C1. Identifiers: Orphanet 646, MedGen C3179455, MONDO:0009757, OMIM 257220.

Submissions (2):

Myriad Genetics, Inc.
Classification: Uncertain significance for Niemann-Pick disease, type C1. Last evaluated: 2025-12-15. Review status: criteria provided, single submitter. Criteria: Myriad Autosomal Dominant, Autosomal Recessive and X-Linked Classification Criteria (2023). Collection method: clinical testing. Allele origin: unknown.
Comment: NM_000271.4(NPC1):c.1591G>C(D531H) is a missense variant classified as a variant of uncertain significance in the context of Niemann-Pick disease type C1. D531H has not been observed in cases with relevant disease. Relevant functional assessments of this variant are not available in the literature. D531H has not been observed in referenced population frequency databases. In summary, there is insufficient evidence to classify NM_000271.4(NPC1):c.1591G>C(D531H) as pathogenic or benign. Please note: this variant was assessed in the context of healthy population screening.

Women's Health and Genetics/Laboratory Corporation of America, LabCorp
Classification: Uncertain significance. Last evaluated: 2025-02-05. Review status: criteria provided, single submitter. Criteria: LabCorp Variant Classification Summary - May 2015. Collection method: clinical testing. Allele origin: germline.
Comment: Variant summary: NPC1 c.1591G>C (p.Asp531His) results in a non-conservative amino acid change located in the NPC1, middle luminal domain (IPR053956) of the encoded protein sequence. Four of five in-silico tools predict a damaging effect of the variant on protein function. The frequency data for this variant in gnomAD is considered unreliable, as metrics indicate poor data quality at this position. c.1591G>C has been reported in the literature in at least one heterozygous individuals affected with suspected Progressive Supranuclear Palsy (e.g. Picillo_2020). These report(s) do not provide unequivocal conclusions about association of the variant with Niemann-Pick Disease Type C. To our knowledge, no experimental evidence demonstrating an impact on protein function has been reported. The following publication has been ascertained in the context of this evaluation (PMID: 32858489). No submitters have cited clinical-significance assessments for this variant to ClinVar. Based on the evidence outlined above, the variant was classified as uncertain significance.

Literature cited by the submitters: PubMed 32858489 (cited by Women's Health and Genetics/Laboratory Corporation of America, LabCorp).

NM_000271.5(NPC1):c.1591G>C (p.Asp531His)

Gene: NPC1 (NPC intracellular cholesterol transporter 1; minus strand). Cytogenetic location: 18q11.2.
Variant type: single nucleotide variant.
Coding change: c.1591G>C on transcript NM_000271.5 (MANE Select); coding-DNA position 1591, G replaced by C.
Protein change: p.Asp531His; replaces aspartic acid 531 with histidine.
Molecular consequence: missense variant.
Genome position (GRCh38, 1-based): chr18:23,551,690, C>G on the plus strand (G>C on the coding strand, the complement: NPC1 is on the minus strand). VCF-style: chr18-23551690-C-G. GRCh37 (hg19) VCF-style: chr18-21131654-C-G.
Other names: short protein forms D531H.
Identifiers: ClinVar variation 3768743 (VCV003768743.2).